The following is an entry in ClinVar:

ClinVar aggregate classification (germline): Uncertain significance. Review status: criteria provided, multiple submitters, no conflicts (2 of 4 stars). 5 submissions from 5 submitters: Uncertain significance (4). 1 of the submissions does not count toward it. Last evaluated 2026-04-09.

Conditions:
SLC27A5-related disorder. Also called: SLC27A5-related condition.

Allele frequency attached by ClinVar (database versions not stated): gnomAD exomes 0.00003 and 0.00005; ExAC 0.00007; ESP Exome Variant Server 0.00023; gnomAD 0.00029 and 0.00030; TOPMed 0.00029.
gnomAD v4.1: 82 of 1,596,118 alleles (0.0051%); highest among the groups gnomAD compares: African/African-American, 0.08%; no homozygotes.

Submissions (5):

Women's Health and Genetics/Laboratory Corporation of America, LabCorp
Classification: Uncertain significance. Last evaluated: 2026-04-09. Review status: criteria provided, single submitter. Criteria: LabCorp Variant Classification Summary - May 2015. Collection method: clinical testing. Allele origin: germline.
Comment: Variant summary: SLC27A5 c.335C>T (p.Pro112Leu) results in a non-conservative amino acid change in the encoded protein sequence. Algorithms developed to predict the effect of missense changes on protein structure and function are either unavailable or do not agree on the potential impact of this missense change. The variant allele was found at a frequency of 4.8e-05 in 229812 control chromosomes. This frequency is not significantly higher than estimated for disease-causing variants in SLC27A5, allowing no conclusion about variant significance. To our knowledge, no occurrence of c.335C>T in individuals affected with SLC27A5-related conditions and no experimental evidence demonstrating its impact on protein function have been reported. ClinVar contains an entry for this variant (Variation ID: 193363). Based on the evidence outlined above, the variant was classified as uncertain significance.

Ambry Genetics
Classification: Uncertain significance. Last evaluated: 2025-08-05. Review status: criteria provided, single submitter. Criteria: Ambry Variant Classification Scheme 2023. Collection method: clinical testing. Allele origin: germline.

Labcorp Genetics (formerly Invitae), Labcorp
Classification: Uncertain significance. Last evaluated: 2025-06-19. Review status: criteria provided, single submitter. Criteria: Invitae Variant Classification Sherloc (09022015). Collection method: clinical testing. Allele origin: germline.
Comment: This sequence change replaces proline, which is neutral and non-polar, with leucine, which is neutral and non-polar, at codon 112 of the SLC27A5 protein (p.Pro112Leu). The frequency data for this variant in the population databases is considered unreliable, as metrics indicate poor data quality at this position in the gnomAD database. This variant has not been reported in the literature in individuals affected with SLC27A5-related conditions. ClinVar contains an entry for this variant (Variation ID: 193363). An algorithm developed to predict the effect of missense changes on protein structure and function (PolyPhen-2) suggests that this variant is likely to be tolerated. In summary, the available evidence is currently insufficient to determine the role of this variant in disease. Therefore, it has been classified as a Variant of Uncertain Significance.

Eurofins Ntd Llc (ga)
Classification: Uncertain significance. Last evaluated: 2018-07-17. Review status: criteria provided, single submitter. Criteria: EGL ClinVar v180209 classification definitions. Collection method: clinical testing. Allele origin: germline. Observed: 4 variant alleles, 4 heterozygotes.

PreventionGenetics, part of Exact Sciences
Classification: Uncertain significance for SLC27A5-related condition. Last evaluated: 2024-05-02. Review status: no assertion criteria provided. Collection method: clinical testing. Allele origin: germline. Not counted in ClinVar's aggregate classification.
Comment: The SLC27A5 c.335C>T variant is predicted to result in the amino acid substitution p.Pro112Leu. To our knowledge, this variant has not been reported in the literature. This variant is reported in 0.083% of alleles in individuals of African descent in gnomAD. Although we suspect that this variant may be benign, at this time, the clinical significance of this variant is uncertain due to the absence of conclusive functional and genetic evidence.

NM_012254.3(SLC27A5):c.335C>T (p.Pro112Leu)

Gene: SLC27A5 (solute carrier family 27 member 5; minus strand). Cytogenetic location: 19q13.43.
Variant type: single nucleotide variant.
Coding change: c.335C>T on transcript NM_012254.3 (MANE Select); coding-DNA position 335, C replaced by T.
Protein change: p.Pro112Leu; replaces proline 112 with leucine.
Molecular consequence: missense variant.
Genome position (GRCh38, 1-based): chr19:58,511,621, G>A on the plus strand (C>T on the coding strand, the complement: SLC27A5 is on the minus strand). VCF-style: chr19-58511621-G-A. GRCh37 (hg19) VCF-style: chr19-59022988-G-A.
Other names: c.335C>T, p.Pro112Leu (NM_001321196.2); c.335C>T (NM_012254.2); short protein forms P112L.
Identifiers: ClinVar variation 193363 (VCV000193363.11), dbSNP rs143207513, ClinGen allele CA238883.